The following is an entry in ClinVar:

NM_030662.4(MAP2K2):c.919+10G>A

Gene: MAP2K2 (mitogen-activated protein kinase kinase 2; minus strand). Cytogenetic location: 19p13.3.
Variant type: single nucleotide variant.
Coding change: c.919+10G>A on transcript NM_030662.4 (MANE Select); 10 bases into the intron after coding-DNA position 919, G replaced by A.
Molecular consequence: intron variant.
Genome position (GRCh38, 1-based): chr19:4,099,191, C>T on the plus strand (G>A on the coding strand, the complement: MAP2K2 is on the minus strand). VCF-style: chr19-4099191-C-T. GRCh37 (hg19) VCF-style: chr19-4099189-C-T.
Other names: p.?.
Identifiers: ClinVar variation 378903 (VCV000378903.14), dbSNP rs780890887, ClinGen allele CA9090793.

ClinVar aggregate classification (germline): Likely benign. Review status: criteria provided, multiple submitters, no conflicts (2 of 4 stars). 5 submissions from 5 submitters: Likely benign (4). 1 of the submissions does not count toward it. Last evaluated 2026-01-07.

Conditions:
MAP2K2-related disorder. Also called: MAP2K2-related condition.
RASopathy. Also called: rasopathies; Noonan spectrum disorder. Identifiers: Orphanet 536391, MedGen C5555857, MONDO:0021060.

Allele frequency attached by ClinVar (database versions not stated): gnomAD exomes 0.00001 and 0.00002; ExAC 0.00003; TOPMed 0.00015; gnomAD 0.00018.
gnomAD v4.1: 48 of 1,594,600 alleles (0.003%); highest among the groups gnomAD compares: African/African-American, 0.055%; no homozygotes.

Submissions (5):

Labcorp Genetics (formerly Invitae), Labcorp
Classification: Likely benign for RASopathy. Last evaluated: 2026-01-07. Review status: criteria provided, single submitter. Criteria: Invitae Variant Classification Sherloc (09022015). Collection method: clinical testing. Allele origin: germline.

Mayo Clinic Laboratories, Mayo Clinic
Classification: Likely benign. Last evaluated: 2025-05-13. Review status: criteria provided, single submitter. Criteria: ACMG Guidelines, 2015. Collection method: clinical testing. Allele origin: germline. Observed: 2 variant alleles.
Comment: BP4, BP7

Women's Health and Genetics/Laboratory Corporation of America, LabCorp
Classification: Likely benign. Last evaluated: 2024-12-12. Review status: criteria provided, single submitter. Criteria: LabCorp Variant Classification Summary - May 2015. Collection method: clinical testing. Allele origin: germline.

GeneDx
Classification: Likely benign. Last evaluated: 2016-03-17. Review status: criteria provided, single submitter. Criteria: GeneDx Variant Classification (06012015). Collection method: clinical testing. Allele origin: germline. Affected: yes.
Comment: This variant is considered likely benign or benign based on one or more of the following criteria: it is a conservative change, it occurs at a poorly conserved position in the protein, it is predicted to be benign by multiple in silico algorithms, and/or has population frequency not consistent with disease.

PreventionGenetics, part of Exact Sciences
Classification: Likely benign for MAP2K2-related condition. Last evaluated: 2019-12-09. Review status: no assertion criteria provided. Collection method: clinical testing. Allele origin: germline. Not counted in ClinVar's aggregate classification.
Comment: This variant is classified as likely benign based on ACMG/AMP sequence variant interpretation guidelines (Richards et al. 2015 PMID: 25741868, with internal and published modifications).